The following is an entry in ClinVar:

NM_201384.3(PLEC):c.12109G>T (p.Asp4037Tyr)

Gene: PLEC (plectin; minus strand). Cytogenetic location: 8q24.3.
Variant type: single nucleotide variant.
Coding change: c.12109G>T on transcript NM_201384.3 (MANE Select); coding-DNA position 12109, G replaced by T.
Protein change: p.Asp4037Tyr; replaces aspartic acid 4037 with tyrosine.
Molecular consequence: missense variant.
Genome position (GRCh38, 1-based): chr8:143,917,712, C>A on the plus strand (G>T on the coding strand, the complement: PLEC is on the minus strand). VCF-style: chr8-143917712-C-A. GRCh37 (hg19) VCF-style: chr8-144991880-C-A.
Other names: c.12190G>T, p.Asp4064Tyr (NM_000445.5); c.12067G>T, p.Asp4023Tyr (NM_201378.4); c.12043G>T, p.Asp4015Tyr (NM_201379.3); c.12520G>T, p.Asp4174Tyr (NM_201380.4); c.12013G>T, p.Asp4005Tyr (NM_201381.3); c.12109G>T, p.Asp4037Tyr (NM_201382.4); c.12121G>T, p.Asp4041Tyr (NM_201383.3); short protein forms D4041Y, D4174Y, D4005Y, D4015Y, D4023Y, D4037Y, D4064Y.
Identifiers: ClinVar variation 1368946 (VCV001368946.8), dbSNP rs2130869272, ClinGen allele CA372485946.
Genomic context (GRCh38, chr8:143,917,712, plus strand): 5'-CCTCAGGGTCGATGATGCCGCCCGTGGCGATCTGGGCCTCCAGCAGGCGGATGCCATGGT[C>A]CTTCAGGATCAGGCCCTTCTTCATGGCCTGGAAGAGGGAGATGAGCTTCCCAGAGTAGGG-3'
Protein context (NP_958786.1, residues 4027-4047): QAMKKGLILK[Asp4037Tyr]HGIRLLEAQI

ClinVar aggregate classification (germline): Uncertain significance (1 of 4 stars; one submission).

Conditions:
Epidermolysis bullosa simplex 5C, with pyloric atresia (EBS5C). Also called: PLEC-Related Epidermolysis Bullosa with Pyloric Atresia; Epidermolysis bullosa simplex with pyloric atresia; PLEC1-Related Epidermolysis Bullosa with Pyloric Atresia. Identifiers: Orphanet 158684, MedGen C2677349, MONDO:0012807, OMIM 612138.
Epidermolysis bullosa simplex 5B, with muscular dystrophy (EBS5B). Also called: EPIDERMOLYSIS BULLOSA SIMPLEX AND LIMB-GIRDLE MUSCULAR DYSTROPHY; Epidermolysis bullosa simplex with muscular dystrophy. Identifiers: Orphanet 257, MedGen C2931072, MONDO:0009181, OMIM 226670.
Epidermolysis bullosa simplex, Ogna type (EBS5A). Also called: Pidermolysis bullosa simplex 5A, Ogna type; EPIDERMOLYSIS BULLOSA SIMPLEX 5A, OGNA TYPE. Identifiers: Orphanet 79401, MedGen C0432317, MONDO:0007555, OMIM 131950.
Autosomal recessive limb-girdle muscular dystrophy type 2Q (LGMDR17). Also called: MUSCULAR DYSTROPHY, LIMB-GIRDLE, AUTOSOMAL RECESSIVE 17. Identifiers: Orphanet 254361, MedGen C3150989, MONDO:0013390, OMIM 613723.
Epidermolysis bullosa simplex with nail dystrophy (EBS5D). Identifiers: MedGen C4225309, MONDO:0014661, OMIM 616487.

Submission:

Labcorp Genetics (formerly Invitae), Labcorp
Classification: Uncertain significance for Autosomal recessive limb-girdle muscular dystrophy type 2Q; Epidermolysis bullosa simplex, Ogna type; Epidermolysis bullosa simplex with nail dystrophy; Epidermolysis bullosa simplex 5C, with pyloric atresia; Epidermolysis bullosa simplex 5B, with muscular dystrophy. Last evaluated: 2021-07-21. Review status: criteria provided, single submitter. Criteria: Invitae Variant Classification Sherloc (09022015). Collection method: clinical testing. Allele origin: germline.
Comment: In summary, the available evidence is currently insufficient to determine the role of this variant in disease. Therefore, it has been classified as a Variant of Uncertain Significance. Algorithms developed to predict the effect of missense changes on protein structure and function (SIFT, PolyPhen-2, Align-GVGD) all suggest that this variant is likely to be disruptive. This variant has not been reported in the literature in individuals affected with PLEC-related conditions. This variant is not present in population databases (ExAC no frequency). This sequence change replaces aspartic acid with tyrosine at codon 4064 of the PLEC protein (p.Asp4064Tyr). The aspartic acid residue is highly conserved and there is a large physicochemical difference between aspartic acid and tyrosine.